The following is an entry in ClinVar:

NM_000399.5(EGR2):c.935C>G (p.Pro312Arg)

Gene: EGR2 (early growth response 2; minus strand). Cytogenetic location: 10q21.3.
Variant type: single nucleotide variant.
Coding change: c.935C>G on transcript NM_000399.5 (MANE Select); coding-DNA position 935, C replaced by G.
Protein change: p.Pro312Arg; replaces proline 312 with arginine.
Molecular consequence: missense variant.
Genome position (GRCh38, 1-based): chr10:62,813,703, G>C on the plus strand (C>G on the coding strand, the complement: EGR2 is on the minus strand). VCF-style: chr10-62813703-G-C. GRCh37 (hg19) VCF-style: chr10-64573463-G-C.
Other names: c.935C>G, p.Pro312Arg (NM_001136177.3, NM_001136178.2); c.785C>G, p.Pro262Arg (NM_001136179.3, NM_001321037.2); c.974C>G, p.Pro325Arg (NM_001410931.1); short protein forms P312R, P262R, P325R.
Identifiers: ClinVar variation 1766674 (VCV001766674.2), dbSNP rs2492295870, ClinGen allele CA377028365.

ClinVar aggregate classification (germline): Uncertain significance (1 of 4 stars; one submission).

Conditions:
Inborn genetic diseases. Identifiers: MedGen C0950123, MeSH D030342.

gnomAD v4.1: 3 of 1,613,106 alleles (0.00019%); highest among the groups gnomAD compares: Non-Finnish European, 0.00025%; no homozygotes.

Submission:

Ambry Genetics
Classification: Uncertain significance for Inborn genetic diseases. Last evaluated: 2020-06-10. Review status: criteria provided, single submitter. Criteria: Ambry Variant Classification Scheme 2023. Collection method: clinical testing. Allele origin: germline.
Comment: The p.P312R variant (also known as c.935C>G), located in coding exon 2 of the EGR2 gene, results from a C to G substitution at nucleotide position 935. The proline at codon 312 is replaced by arginine, an amino acid with dissimilar properties. This amino acid position is well conserved in available vertebrate species. In addition, this alteration is predicted to be tolerated by in silico analysis. Since supporting evidence is limited at this time, the clinical significance of this alteration remains unclear.